The following is an entry in ClinVar:

NM_001039591.3(USP9X):c.4415A>G (p.Asn1472Ser)

Gene: USP9X (ubiquitin specific peptidase 9 X-linked; plus strand). Cytogenetic location: Xp11.4.
Variant type: single nucleotide variant.
Coding change: c.4415A>G on transcript NM_001039591.3 (MANE Select); coding-DNA position 4415, A replaced by G.
Protein change: p.Asn1472Ser; replaces asparagine 1472 with serine.
Molecular consequence: missense variant.
Genome position (GRCh38, 1-based): chrX:41,198,562, A>G. VCF-style: chrX-41198562-A-G. GRCh37 (hg19) VCF-style: chrX-41057815-A-G.
Other names: c.4415A>G, p.Asn1472Ser (NM_001039590.3); short protein forms N1472S.
Identifiers: ClinVar variation 1306809 (VCV001306809.5), dbSNP rs1602024802, ClinGen allele CA412774876.

ClinVar aggregate classification (germline): Uncertain significance (1 of 4 stars; one submission).

gnomAD v4.1: 2 of 1,208,146 alleles (0.00017%); highest among the groups gnomAD compares: Non-Finnish European, 0.00011%; no homozygotes.

Submission:

GeneDx
Classification: Uncertain significance. Last evaluated: 2024-08-13. Review status: criteria provided, single submitter. Criteria: GeneDx Variant Classification Process June 2021. Collection method: clinical testing. Allele origin: germline. Affected: yes.
Comment: Not observed at significant frequency in large population cohorts (gnomAD); In silico analysis supports that this missense variant does not alter protein structure/function; In silico analysis supports a deleterious effect on splicing; Has not been previously published as pathogenic or benign to our knowledge